The following is an entry in ClinVar:

NM_020778.5(ALPK3):c.3742G>A (p.Asp1248Asn)

Gene: ALPK3 (alpha kinase 3; plus strand). Cytogenetic location: 15q25.3.
Variant type: single nucleotide variant.
Coding change: c.3742G>A on transcript NM_020778.5 (MANE Select); coding-DNA position 3742, G replaced by A.
Protein change: p.Asp1248Asn; replaces aspartic acid 1248 with asparagine.
Molecular consequence: missense variant.
Genome position (GRCh38, 1-based): chr15:84,858,480, G>A. VCF-style: chr15-84858480-G-A. GRCh37 (hg19) VCF-style: chr15-85401711-G-A.
Other names: short protein forms D1248N.
Identifiers: ClinVar variation 2563946 (VCV002563946.3), dbSNP rs1292054310, ClinGen allele CA393360864.

ClinVar aggregate classification (germline): Conflicting classifications of pathogenicity. Review status: criteria provided, conflicting classifications (1 of 4 stars). 2 submissions from 2 submitters: Uncertain significance (1); Likely benign (1). Last evaluated 2025-04-11.

Conditions:
Cardiovascular phenotype. Identifiers: MedGen CN230736.

Submissions (2):

Labcorp Genetics (formerly Invitae), Labcorp
Classification: Uncertain significance. Last evaluated: 2025-04-11. Review status: criteria provided, single submitter. Criteria: Invitae Variant Classification Sherloc (09022015). Collection method: clinical testing. Allele origin: germline.
Comment: This sequence change replaces aspartic acid, which is acidic and polar, with asparagine, which is neutral and polar, at codon 1450 of the ALPK3 protein (p.Asp1450Asn). This variant is not present in population databases (gnomAD no frequency). This variant has not been reported in the literature in individuals affected with ALPK3-related conditions. ClinVar contains an entry for this variant (Variation ID: 2563946). An algorithm developed to predict the effect of missense changes on protein structure and function outputs the following: PolyPhen-2: "Benign". The asparagine amino acid residue is found in multiple mammalian species, which suggests that this missense change does not adversely affect protein function. In summary, the available evidence is currently insufficient to determine the role of this variant in disease. Therefore, it has been classified as a Variant of Uncertain Significance.

Ambry Genetics
Classification: Likely benign for Cardiovascular phenotype. Last evaluated: 2023-04-16. Review status: criteria provided, single submitter. Criteria: Ambry Variant Classification Scheme 2023. Collection method: clinical testing. Allele origin: germline.